The following is an entry in ClinVar:

ClinVar aggregate classification (germline): Uncertain significance. Review status: criteria provided, multiple submitters, no conflicts (2 of 4 stars). 2 submissions from 2 submitters: Uncertain significance (2). Last evaluated 2025-07-20.

Conditions:
RASopathy. Also called: rasopathies; Noonan spectrum disorder. Identifiers: Orphanet 536391, MedGen C5555857, MONDO:0021060.
Cardiovascular phenotype. Identifiers: MedGen CN230736.

Submissions (2):

Labcorp Genetics (formerly Invitae), Labcorp
Classification: Uncertain significance for RASopathy. Last evaluated: 2025-07-20. Review status: criteria provided, single submitter. Criteria: Invitae Variant Classification Sherloc (09022015). Collection method: clinical testing. Allele origin: germline.
Comment: This sequence change replaces tryptophan, which is neutral and slightly polar, with arginine, which is basic and polar, at codon 187 of the RAF1 protein (p.Trp187Arg). This variant is not present in population databases (gnomAD no frequency). This variant has not been reported in the literature in individuals affected with RAF1-related conditions. ClinVar contains an entry for this variant (Variation ID: 3222904). Invitae Evidence Modeling of protein sequence and biophysical properties (such as structural, functional, and spatial information, amino acid conservation, physicochemical variation, residue mobility, and thermodynamic stability) has been performed for this missense variant. However, the output from this modeling did not meet the statistical confidence thresholds required to predict the impact of this variant on RAF1 protein function. In summary, the available evidence is currently insufficient to determine the role of this variant in disease. Therefore, it has been classified as a Variant of Uncertain Significance.

Ambry Genetics
Classification: Uncertain significance for Cardiovascular phenotype. Last evaluated: 2024-02-07. Review status: criteria provided, single submitter. Criteria: Ambry Variant Classification Scheme 2023. Collection method: clinical testing. Allele origin: germline.
Comment: The p.W187R variant (also known as c.559T>A), located in coding exon 4 of the RAF1 gene, results from a T to A substitution at nucleotide position 559. The tryptophan at codon 187 is replaced by arginine, an amino acid with dissimilar properties. This amino acid position is well conserved in available vertebrate species. In addition, this alteration is predicted to be deleterious by in silico analysis. Based on the available evidence, the clinical significance of this alteration remains unclear.

NM_002880.4(RAF1):c.559T>A (p.Trp187Arg)

Gene: RAF1 (Raf-1 proto-oncogene, serine/threonine kinase; minus strand). Cytogenetic location: 3p25.2.
Variant type: single nucleotide variant.
Coding change: c.559T>A on transcript NM_002880.4 (MANE Select); coding-DNA position 559, T replaced by A.
Protein change: p.Trp187Arg; replaces tryptophan 187 with arginine.
Molecular consequence: missense variant. On other transcripts: non-coding transcript variant (3).
Genome position (GRCh38, 1-based): chr3:12,608,788, A>T on the plus strand (T>A on the coding strand, the complement: RAF1 is on the minus strand). VCF-style: chr3-12608788-A-T. GRCh37 (hg19) VCF-style: chr3-12650287-A-T.
Other names: c.559T>A, p.Trp187Arg (NM_001354689.3, NM_001354690.3, NM_001354693.3); c.316T>A, p.Trp106Arg (NM_001354691.3, NM_001354692.3, NM_001354694.3 and 1 more transcripts); short protein forms W106R, W187R.
Identifiers: ClinVar variation 3222904 (VCV003222904.2), dbSNP rs1192517472, ClinGen allele CA351516471.